The following is an entry in ClinVar:

NM_033026.6(PCLO):c.1027G>C (p.Ala343Pro)

Gene: PCLO (piccolo presynaptic cytomatrix protein; minus strand). Cytogenetic location: 7q21.11.
Variant type: single nucleotide variant.
Coding change: c.1027G>C on transcript NM_033026.6 (MANE Select); coding-DNA position 1027, G replaced by C.
Protein change: p.Ala343Pro; replaces alanine 343 with proline.
Molecular consequence: missense variant.
Genome position (GRCh38, 1-based): chr7:83,155,614, C>G on the plus strand (G>C on the coding strand, the complement: PCLO is on the minus strand). VCF-style: chr7-83155614-C-G. GRCh37 (hg19) VCF-style: chr7-82784930-C-G.
Other names: c.1027G>C, p.Ala343Pro (NM_014510.3); short protein forms A343P.
Identifiers: ClinVar variation 1395480 (VCV001395480.5), dbSNP rs745499702, ClinGen allele CA4321553.

ClinVar aggregate classification (germline): Uncertain significance (1 of 4 stars; one submission).

Allele frequency attached by ClinVar (database versions not stated): ExAC 0.00001; gnomAD 0.00001; gnomAD exomes 0.00001; TOPMed 0.00003.
gnomAD v4.1: 16 of 1,613,248 alleles (0.00099%); highest among the groups gnomAD compares: Admixed American, 0.01%; 1 homozygote.

Submission:

Labcorp Genetics (formerly Invitae), Labcorp
Classification: Uncertain significance. Last evaluated: 2024-08-12. Review status: criteria provided, single submitter. Criteria: Invitae Variant Classification Sherloc (09022015). Collection method: clinical testing. Allele origin: germline.
Comment: This sequence change replaces alanine, which is neutral and non-polar, with proline, which is neutral and non-polar, at codon 343 of the PCLO protein (p.Ala343Pro). This variant is present in population databases (rs745499702, gnomAD 0.009%). This variant has not been reported in the literature in individuals affected with PCLO-related conditions. ClinVar contains an entry for this variant (Variation ID: 1395480). Experimental studies and prediction algorithms are not available or were not evaluated, and the functional significance of this variant is currently unknown. In summary, the available evidence is currently insufficient to determine the role of this variant in disease. Therefore, it has been classified as a Variant of Uncertain Significance.